The following is an entry in ClinVar:

NM_001394807.1(ADPRHL1):c.4956C>T (p.Ala1652=)

Gene: ADPRHL1 (ADP-ribosylhydrolase like 1; minus strand). Cytogenetic location: 13q34.
Variant type: single nucleotide variant.
Coding change: c.4956C>T on transcript NM_001394807.1 (MANE Select); coding-DNA position 4956, C replaced by T.
Protein change: p.Ala1652=; no amino-acid change (alanine 1652 retained).
Molecular consequence: synonymous variant.
Genome position (GRCh38, 1-based): chr13:113,404,326, G>A on the plus strand (C>T on the coding strand, the complement: ADPRHL1 is on the minus strand). VCF-style: chr13-113404326-G-A. GRCh37 (hg19) VCF-style: chr13-114058641-G-A.
Other names: c.3864C>T, p.Ala1288= (NM_001304433.1, NM_001375393.1).
Identifiers: ClinVar variation 4872950 (VCV004872950.2).
Genomic context (GRCh38, chr13:113,404,326, plus strand): 5'-AGCCCCCTTCTGGGCCTGACCCTGAGCCTCTATCTGGGTCTGCTCCTGAGCCTGTTCCTG[G>A]GCCCGTTCCTGAGCCCCTTTCTGGGCCTGACCCTGAACCCGTTCCTGAGCCCCTTTCTGG-3'
Protein context (NP_001381736.1, residues 1642-1662): GQAQKGAQER[Ala1652=]QEQAQEQTQI

ClinVar aggregate classification (germline): Likely benign (1 of 4 stars; one submission).

Submission:

CeGaT Center for Human Genetics Tuebingen
Classification: Likely benign. Last evaluated: 2026-04-01. Review status: criteria provided, single submitter. Criteria: CeGaT Center For Human Genetics Tuebingen Variant Classification Criteria Version 2. Collection method: clinical testing. Allele origin: germline. Affected: yes. Observed: 1 variant allele.
Comment: ADPRHL1: BP4, BP7